The following is an entry in ClinVar:

ClinVar aggregate classification (germline): Uncertain significance (1 of 4 stars; one submission).

Conditions:
Kleefstra syndrome 2 (KLEFS2). Identifiers: MedGen C4540395, MONDO:0054701, OMIM 617768.

Allele frequency attached by ClinVar (database versions not stated): gnomAD exomes below 0.00001; gnomAD 0.00001; TOPMed 0.00001.
gnomAD v4.1: 2 of 1,610,932 alleles (0.00012%); highest among the groups gnomAD compares: Admixed American, 0.0017%; no homozygotes.

Submission:

Centre for Mendelian Genomics, University Medical Centre Ljubljana
Classification: Uncertain significance for Kleefstra syndrome 2. Last evaluated: 2019-12-11. Review status: criteria provided, single submitter. Criteria: ACMG Guidelines, 2015. Collection method: clinical testing. Allele origin: unknown. Affected: yes.
Comment: This variant was classified as: Uncertain significance. The available evidence on this variant's pathogenicity is insufficient or conflicting.

NM_170606.3(KMT2C):c.4030A>G (p.Ile1344Val)

Gene: KMT2C (lysine methyltransferase 2C; minus strand). Cytogenetic location: 7q36.1.
Variant type: single nucleotide variant.
Coding change: c.4030A>G on transcript NM_170606.3 (MANE Select); coding-DNA position 4030, A replaced by G.
Protein change: p.Ile1344Val; replaces isoleucine 1344 with valine.
Molecular consequence: missense variant.
Genome position (GRCh38, 1-based): chr7:152,202,996, T>C on the plus strand (A>G on the coding strand, the complement: KMT2C is on the minus strand). VCF-style: chr7-152202996-T-C. GRCh37 (hg19) VCF-style: chr7-151900081-T-C.
Other names: short protein forms I1344V.
Identifiers: ClinVar variation 931616 (VCV000931616.3), dbSNP rs945467133, ClinGen allele CA169226846.